The following is an entry in ClinVar:

ClinVar aggregate classification (germline): Uncertain significance (1 of 4 stars; one submission).

Allele frequency attached by ClinVar (database versions not stated): gnomAD exomes below 0.00001.
gnomAD v4.1: 1 of 1,612,634 alleles (0.000062%); highest among the groups gnomAD compares: South Asian, 0.0011%; no homozygotes.

Submission:

Labcorp Genetics (formerly Invitae), Labcorp
Classification: Uncertain significance. Last evaluated: 2022-05-31. Review status: criteria provided, single submitter. Criteria: Invitae Variant Classification Sherloc (09022015). Collection method: clinical testing. Allele origin: germline.
Comment: In summary, the available evidence is currently insufficient to determine the role of this variant in disease. Therefore, it has been classified as a Variant of Uncertain Significance. Algorithms developed to predict the effect of missense changes on protein structure and function are either unavailable or do not agree on the potential impact of this missense change (SIFT: "Deleterious"; PolyPhen-2: "Not Available"; Align-GVGD: "Class C0"). This variant has not been reported in the literature in individuals affected with CDH23-related conditions. This variant is present in population databases (no rsID available, gnomAD 0.003%). This sequence change replaces aspartic acid, which is acidic and polar, with glutamic acid, which is acidic and polar, at codon 3151 of the CDH23 protein (p.Asp3151Glu).

NM_022124.6(CDH23):c.9453C>A (p.Asp3151Glu)

Gene: CDH23 (cadherin related 23; plus strand). Cytogenetic location: 10q22.1.
Variant type: single nucleotide variant.
Coding change: c.9453C>A on transcript NM_022124.6 (MANE Select); coding-DNA position 9453, C replaced by A.
Protein change: p.Asp3151Glu; replaces aspartic acid 3151 with glutamic acid.
Molecular consequence: missense variant.
Genome position (GRCh38, 1-based): chr10:71,812,552, C>A. VCF-style: chr10-71812552-C-A. GRCh37 (hg19) VCF-style: chr10-73572309-C-A.
Other names: c.2733C>A, p.Asp911Glu (NM_001171933.1, NM_001171934.1); c.144C>A, p.Asp48Glu (NM_001171935.1, NM_001171936.1); short protein forms D48E, D3151E, D911E.
Identifiers: ClinVar variation 2092855 (VCV002092855.4), dbSNP rs1304323876, ClinGen allele CA377136679.